The following is an entry in ClinVar:

ClinVar aggregate classification (germline): Uncertain significance (1 of 4 stars; one submission).

Conditions:
Hereditary cancer-predisposing syndrome. Also called: Hereditary Cancer Syndrome; Hereditary neoplastic syndrome; Neoplastic Syndromes, Hereditary; Tumor predisposition. Identifiers: Orphanet 140162, MedGen C0027672, MeSH D009386, MONDO:0015356.

Submission:

Sema4
Classification: Uncertain significance for Hereditary cancer-predisposing syndrome. Last evaluated: 2022-01-18. Review status: criteria provided, single submitter. Criteria: Sema4 Curation Guidelines. Collection method: curation. Allele origin: germline.
Comment: The ERCC5 c.3020C>G (p.A1007G) variant has not been reported in the literature to our knowledge. It was not observed in the large and broad cohorts of the Genome Aggregation Database. The variant has not been reported in ClinVar. In silico tools suggest the impact of the variant on protein function is benign, though these predictions have not been confirmed by functional studies. The evidence is insufficient to meet ACMG/AMP criteria for classifying the variant as benign or pathogenic. Thus, the clinical significance of this variant is currently uncertain.

NM_000123.4(ERCC5):c.3020C>G (p.Ala1007Gly)

Genes: ERCC5 (ERCC excision repair 5, endonuclease; plus strand), BIVM-ERCC5 (BIVM-ERCC5 readthrough; plus strand). Cytogenetic location: 13q33.1.
Variant type: single nucleotide variant.
Coding change: c.3020C>G on transcript NM_000123.4 (MANE Select); coding-DNA position 3020, C replaced by G.
Protein change: p.Ala1007Gly; replaces alanine 1007 with glycine.
Molecular consequence: missense variant.
Genome position (GRCh38, 1-based): chr13:102,875,362, C>G. VCF-style: chr13-102875362-C-G. GRCh37 (hg19) VCF-style: chr13-103527712-C-G.
Other names: c.4382C>G, p.Ala1461Gly (NM_001204425.2); short protein forms A1007G, A1461G.
Identifiers: ClinVar variation 1692187 (VCV001692187.1), dbSNP rs776583974, ClinGen allele CA388674447.